The following is an entry in ClinVar:

ClinVar aggregate classification (germline): Conflicting classifications of pathogenicity. Review status: criteria provided, conflicting classifications (1 of 4 stars). 8 submissions from 8 submitters: Uncertain significance (1); Likely benign (6). 1 of the submissions does not count toward it. Last evaluated 2026-01-17.

Conditions:
SPRED1-related disorder. Also called: SPRED1-related condition.
Noonan syndrome and Noonan-related syndrome. Identifiers: Orphanet 98733, MedGen C5681679, MONDO:0020297.
Cardiovascular phenotype. Identifiers: MedGen CN230736.
Legius syndrome. Identifiers: Orphanet 137605, MedGen C1969623, MONDO:0012669, OMIM 611431. Disease mechanism: loss of function.

Allele frequency attached by ClinVar (database versions not stated): gnomAD exomes 0.00001 and 0.00002; gnomAD 0.00003; ExAC 0.00004; TOPMed 0.00004.
gnomAD v4.1: 33 of 1,613,754 alleles (0.002%); highest among the groups gnomAD compares: East Asian, 0.0089%; no homozygotes.

Submissions (8):

Labcorp Genetics (formerly Invitae), Labcorp
Classification: Likely benign for Legius syndrome. Last evaluated: 2026-01-17. Review status: criteria provided, single submitter. Criteria: Invitae Variant Classification Sherloc (09022015). Collection method: clinical testing. Allele origin: germline.

CeGaT Center for Human Genetics Tuebingen
Classification: Likely benign. Last evaluated: 2025-11-01. Review status: criteria provided, single submitter. Criteria: CeGaT Center For Human Genetics Tuebingen Variant Classification Criteria Version 2. Collection method: clinical testing. Allele origin: germline. Affected: yes. Observed: 2 variant alleles.
Comment: SPRED1: BP4, BP7

Blueprint Genetics
Classification: Likely benign. Last evaluated: 2024-10-15. Review status: criteria provided, single submitter. Criteria: ACMG Guidelines, 2015. Collection method: clinical testing. Allele origin: germline.

ARUP Laboratories, Molecular Genetics and Genomics, ARUP Laboratories
Classification: Likely benign for Legius syndrome. Last evaluated: 2022-12-19. Review status: criteria provided, single submitter. Criteria: ARUP Molecular Germline Variant Investigation Process 2024. Collection method: clinical testing. Allele origin: germline.

Ambry Genetics
Classification: Likely benign for Cardiovascular phenotype. Last evaluated: 2022-09-05. Review status: criteria provided, single submitter. Criteria: Ambry Variant Classification Scheme 2023. Collection method: clinical testing. Allele origin: germline.

Genome Diagnostics Laboratory, The Hospital for Sick Children
Classification: Uncertain significance for Noonan syndrome and Noonan-related syndrome. Last evaluated: 2020-03-01. Review status: criteria provided, single submitter. Criteria: ACMG Guidelines, 2015. Collection method: clinical testing. Allele origin: germline.

Women's Health and Genetics/Laboratory Corporation of America, LabCorp
Classification: Likely benign. Last evaluated: 2019-09-20. Review status: criteria provided, single submitter. Criteria: LabCorp Variant Classification Summary - May 2015. Collection method: clinical testing. Allele origin: germline.

PreventionGenetics, part of Exact Sciences
Classification: Likely benign for SPRED1-related condition. Last evaluated: 2024-07-10. Review status: no assertion criteria provided. Collection method: clinical testing. Allele origin: germline. Not counted in ClinVar's aggregate classification.
Comment: This variant is classified as likely benign based on ACMG/AMP sequence variant interpretation guidelines (Richards et al. 2015 PMID: 25741868, with internal and published modifications).

NM_152594.3(SPRED1):c.306G>A (p.Thr102=)

Gene: SPRED1 (sprouty related EVH1 domain containing 1; plus strand). Cytogenetic location: 15q14.
Variant type: single nucleotide variant.
Coding change: c.306G>A on transcript NM_152594.3 (MANE Select); coding-DNA position 306, G replaced by A.
Protein change: p.Thr102=; no amino-acid change (threonine 102 retained).
Molecular consequence: synonymous variant.
Genome position (GRCh38, 1-based): chr15:38,322,339, G>A. VCF-style: chr15-38322339-G-A. GRCh37 (hg19) VCF-style: chr15-38614540-G-A.
Identifiers: ClinVar variation 700598 (VCV000700598.28), dbSNP rs372791883, ClinGen allele CA7470036.